The following is an entry in ClinVar:

NM_002860.4(ALDH18A1):c.281G>A (p.Arg94His)

Gene: ALDH18A1 (aldehyde dehydrogenase 18 family member A1; minus strand). Cytogenetic location: 10q24.1.
Variant type: single nucleotide variant.
Coding change: c.281G>A on transcript NM_002860.4 (MANE Select); coding-DNA position 281, G replaced by A.
Protein change: p.Arg94His; replaces arginine 94 with histidine.
Molecular consequence: missense variant. On other transcripts: intron variant (4).
Genome position (GRCh38, 1-based): chr10:95,643,014, C>T on the plus strand (G>A on the coding strand, the complement: ALDH18A1 is on the minus strand). VCF-style: chr10-95643014-C-T. GRCh37 (hg19) VCF-style: chr10-97402771-C-T.
Other names: c.281G>A, p.Arg94His (NM_001017423.2, NM_001323413.2, NM_001323414.2 and 2 more transcripts); c.-78-9365G>A (NM_001323419.2); c.-30-5578G>A (NM_001323412.2, NM_001323418.2, NM_001323416.2); short protein forms R94H.
Identifiers: ClinVar variation 2202362 (VCV002202362.4), dbSNP rs754612598, ClinGen allele CA5620653.

ClinVar aggregate classification (germline): Uncertain significance (1 of 4 stars; one submission).

Conditions:
Cutis laxa, autosomal dominant 3 (ADCL3). Identifiers: Orphanet 90348, MedGen C4225268, MONDO:0014706, OMIM 616603.
Autosomal dominant spastic paraplegia type 9. Identifiers: MedGen C1832669, MONDO:0015091.
de Barsy syndrome. Also called: Cutis laxa-corneal clouding-oligophrenia syndrome. Identifiers: Orphanet 2962, MedGen C0268354, MONDO:0017569.

Allele frequency attached by ClinVar (database versions not stated): gnomAD exomes 0.00001; ExAC 0.00001.
gnomAD v4.1: 8 of 1,613,684 alleles (0.0005%); highest among the groups gnomAD compares: South Asian, 0.0011%; no homozygotes.

Submission:

Labcorp Genetics (formerly Invitae), Labcorp
Classification: Uncertain significance for Autosomal dominant spastic paraplegia type 9; de Barsy syndrome; Cutis laxa, autosomal dominant 3. Last evaluated: 2025-03-30. Review status: criteria provided, single submitter. Criteria: Invitae Variant Classification Sherloc (09022015). Collection method: clinical testing. Allele origin: germline.
Comment: This sequence change replaces arginine, which is basic and polar, with histidine, which is basic and polar, at codon 94 of the ALDH18A1 protein (p.Arg94His). This variant is present in population databases (rs754612598, gnomAD 0.002%). This variant has not been reported in the literature in individuals affected with ALDH18A1-related conditions. ClinVar contains an entry for this variant (Variation ID: 2202362). Invitae Evidence Modeling of protein sequence and biophysical properties (such as structural, functional, and spatial information, amino acid conservation, physicochemical variation, residue mobility, and thermodynamic stability) has been performed for this missense variant. However, the output from this modeling did not meet the statistical confidence thresholds required to predict the impact of this variant on ALDH18A1 protein function. In summary, the available evidence is currently insufficient to determine the role of this variant in disease. Therefore, it has been classified as a Variant of Uncertain Significance.